The following is an entry in ClinVar:

NM_004974.4(KCNA2):c.1258G>C (p.Glu420Gln)

Gene: KCNA2 (potassium voltage-gated channel subfamily A member 2; minus strand). Cytogenetic location: 1p13.3.
Variant type: single nucleotide variant.
Coding change: c.1258G>C on transcript NM_004974.4 (MANE Select); coding-DNA position 1258, G replaced by C.
Protein change: p.Glu420Gln; replaces glutamic acid 420 with glutamine.
Molecular consequence: missense variant. On other transcripts: intron variant (1).
Genome position (GRCh38, 1-based): chr1:110,603,525, C>G on the plus strand (G>C on the coding strand, the complement: KCNA2 is on the minus strand). VCF-style: chr1-110603525-C-G. GRCh37 (hg19) VCF-style: chr1-111146147-C-G.
Other names: c.894+364G>C (NM_001204269.2); short protein forms E420Q.
Identifiers: ClinVar variation 3620783 (VCV003620783.2).
Genomic context (GRCh38, chr1:110,603,525, plus strand): 5'-ATGGGATCTTTGGACAGCTTGTCACTTGCAAGTATTGGGCCTGTTCCTCTCCCTCTGTCT[C>G]CCGGTGGTAGAAGTAGTTGAAATTGGACACAATGACAGGGACCGGTAAGGCAATAGTTAA-3'
Protein context (NP_004965.1, residues 410-430): VSNFNYFYHR[Glu420Gln]TEGEEQAQYL

ClinVar aggregate classification (germline): Uncertain significance (1 of 4 stars; one submission).

Conditions:
Developmental and epileptic encephalopathy, 32 (DEE32). Also called: Epileptic encephalopathy, early infantile, 32. Identifiers: Orphanet 442835, MedGen C4225350, MONDO:0014607, OMIM 616366.

gnomAD v4.1: 1 of 1,614,078 alleles (0.000062%); highest among the groups gnomAD compares: Non-Finnish European, 0.000085%; no homozygotes.

Submission:

Labcorp Genetics (formerly Invitae), Labcorp
Classification: Uncertain significance for Developmental and epileptic encephalopathy, 32. Last evaluated: 2024-04-09. Review status: criteria provided, single submitter. Criteria: Invitae Variant Classification Sherloc (09022015). Collection method: clinical testing. Allele origin: germline.
Comment: This sequence change replaces glutamic acid, which is acidic and polar, with glutamine, which is neutral and polar, at codon 420 of the KCNA2 protein (p.Glu420Gln). This variant is not present in population databases (gnomAD no frequency). This variant has not been reported in the literature in individuals affected with KCNA2-related conditions. Advanced modeling of protein sequence and biophysical properties (such as structural, functional, and spatial information, amino acid conservation, physicochemical variation, residue mobility, and thermodynamic stability) performed at Invitae indicates that this missense variant is not expected to disrupt KCNA2 protein function with a negative predictive value of 80%. In summary, the available evidence is currently insufficient to determine the role of this variant in disease. Therefore, it has been classified as a Variant of Uncertain Significance.